The following is an entry in ClinVar:

NM_001376.5(DYNC1H1):c.10420C>T (p.Arg3474Trp)

Gene: DYNC1H1 (dynein cytoplasmic 1 heavy chain 1; plus strand). Cytogenetic location: 14q32.31.
Variant type: single nucleotide variant.
Coding change: c.10420C>T on transcript NM_001376.5 (MANE Select); coding-DNA position 10420, C replaced by T.
Protein change: p.Arg3474Trp; replaces arginine 3474 with tryptophan.
Molecular consequence: missense variant.
Genome position (GRCh38, 1-based): chr14:102,033,982, C>T. VCF-style: chr14-102033982-C-T. GRCh37 (hg19) VCF-style: chr14-102500319-C-T.
Other names: short protein forms R3474W.
Identifiers: ClinVar variation 246393 (VCV000246393.13), dbSNP rs757725348, ClinGen allele CA10584472.

ClinVar aggregate classification (germline): Pathogenic/Likely pathogenic. Review status: criteria provided, multiple submitters, no conflicts (2 of 4 stars). 6 submissions from 6 submitters: Pathogenic (3); Likely pathogenic (2). 1 of the submissions does not count toward it. Last evaluated 2025-01-10.

Conditions:
Spinal muscular atrophy with lower extremity predominance. Also called: Autosomal dominant childhood-onset proximal spinal muscular atrophy. Identifiers: Orphanet 363447, MedGen C1834690, MONDO:0018190.
DYNC1H1-related disorder. Also called: DYNC1H1-related condition; DYNC1H1-related disorders. Identifiers: MedGen CN381529.
Lissencephaly. Also called: Lissencephaly spectrum disorders. Identifiers: Orphanet 48471, MedGen C0266463, MeSH D054082, MONDO:0018838, HP:0001339.
Charcot-Marie-Tooth disease axonal type 2O. Also called: CHARCOT-MARIE-TOOTH NEUROPATHY, AXONAL, TYPE 2O; CHARCOT-MARIE-TOOTH DISEASE, AXONAL, AUTOSOMAL DOMINANT, TYPE 2O; Charcot-Marie-Tooth Neuropathy Type 2O; Charcot-Marie-Tooth disease, axonal, type 20. Identifiers: Orphanet 284232, MedGen C3280220, MONDO:0013644, OMIM 614228.

Submissions (6):

3billion
Classification: Likely pathogenic for DYNC1H1-related disorder. Last evaluated: 2025-01-10. Review status: criteria provided, single submitter. Criteria: ACMG Guidelines, 2015. Collection method: clinical testing. Allele origin: germline. Affected: yes.
Comment: The variant is not observed in the gnomAD v4.1.0 dataset. Predicted Consequence/Location: Missense variant. Missense changes are a common disease-causing mechanism. In silico tool predictions suggest damaging effect of the variant on gene or gene product [REVEL: 0.74 (>=0.6, sensitivity 0.68 and specificity 0.92)]. The same nucleotide change resulting in the same amino acid change has been previously reported as pathogenic/likely pathogenic with strong evidence (ClinVar ID: VCV000246393). Therefore, this variant is classified as Likely pathogenic according to the recommendation of ACMG/AMP guideline.

Labcorp Genetics (formerly Invitae), Labcorp
Classification: Pathogenic for Charcot-Marie-Tooth disease axonal type 2O. Last evaluated: 2023-08-11. Review status: criteria provided, single submitter. Criteria: Invitae Variant Classification Sherloc (09022015). Collection method: clinical testing. Allele origin: germline.
Comment: For these reasons, this variant has been classified as Pathogenic. Advanced modeling of protein sequence and biophysical properties (such as structural, functional, and spatial information, amino acid conservation, physicochemical variation, residue mobility, and thermodynamic stability) performed at Invitae indicates that this missense variant is expected to disrupt DYNC1H1 protein function. ClinVar contains an entry for this variant (Variation ID: 246393). This missense change has been observed in individual(s) with clinical features of DYNC1H1-related conditions (PMID: 29671837, 36175372; Invitae). In at least one individual the variant was observed to be de novo. This variant is not present in population databases (gnomAD no frequency). This sequence change replaces arginine, which is basic and polar, with tryptophan, which is neutral and slightly polar, at codon 3474 of the DYNC1H1 protein (p.Arg3474Trp).

Dasa
Classification: Pathogenic for Spinal muscular atrophy with lower extremity predominance. Last evaluated: 2022-03-25. Review status: criteria provided, single submitter. Criteria: ACMG Guidelines, 2015. Collection method: clinical testing. Allele origin: germline. Affected: yes. Observed: 1 variant allele.
Comment: The c.10420C>T;p.(Arg3474Trp) missense change has been observed in affected individual(s) and ClinVar contains an entry for this variant (ClinVar ID: 246393)-PS4. The variant is located in a mutational hot spot and/or critical and well-established functional domain (MT) - PM1. This variant is not present in population databases (rs757725348- gnomAD; ABraOM no frequency.) - PM2. Multiple lines of computational evidence support a deleterious effect on the gene or gene product - PP3. In summary, the currently available evidence indicates that the variant is pathogenic

Blueprint Genetics
Classification: Likely pathogenic for DYNC1H1-related disorders. Last evaluated: 2020-04-16. Review status: criteria provided, single submitter. Criteria: ACMG Guidelines, 2015. Collection method: clinical testing. Allele origin: de novo. Affected: yes. Observed: 1 variant allele.

GeneDx
Classification: Pathogenic. Last evaluated: 2020-01-03. Review status: criteria provided, single submitter. Criteria: GeneDx Variant Classification Process June 2021. Collection method: clinical testing. Allele origin: germline. Affected: yes.
Comment: Identified in a patient with lissencephaly in published literature (Di Donato et al., 2018); In silico analysis, which includes protein predictors and evolutionary conservation, supports a deleterious effect; Not observed in large population cohorts (Lek et al., 2016); This variant is associated with the following publications: (PMID: 29671837)

University of Washington Center for Mendelian Genomics, University of Washington
Classification: Uncertain significance for lissencephaly. Review status: no assertion criteria provided. Collection method: research. Allele origin: unknown. Affected: yes. Not counted in ClinVar's aggregate classification.

Literature cited by the submitters: PubMed 29671837 (cited by Labcorp Genetics (formerly Invitae), Labcorp and University of Washington Center for Mendelian Genomics, University of Washington); PubMed 36175372 (cited by Labcorp Genetics (formerly Invitae), Labcorp).